The following is an entry in ClinVar:

NM_173543.3(DZIP1L):c.2003-10C>A

Gene: DZIP1L (DAZ interacting zinc finger protein 1 like; minus strand). Cytogenetic location: 3q22.3.
Variant type: single nucleotide variant.
Coding change: c.2003-10C>A on transcript NM_173543.3 (MANE Select); 10 bases into the intron before coding-DNA position 2003, C replaced by A.
Molecular consequence: intron variant.
Genome position (GRCh38, 1-based): chr3:138,064,777, G>T on the plus strand (C>A on the coding strand, the complement: DZIP1L is on the minus strand). VCF-style: chr3-138064777-G-T. GRCh37 (hg19) VCF-style: chr3-137783619-G-T.
Other names: c.2003-10C>A (NM_173543.2).
Identifiers: ClinVar variation 2057997 (VCV002057997.6), dbSNP rs199666233, ClinGen allele CA2634692.
Genomic context (GRCh38, chr3:138,064,777, plus strand): 5'-GAGCTTCTAGCTGCTTCTCCAGGTTTTTGACCATCGACTGCACCAGTGTTCCTGGAAGGT[G>T]AAAAAGTGGCTGTGTCAGTGGGAGAAGCCTAGAAAATGAACATCTCAGTTTTGTGGCTCA-3'

ClinVar aggregate classification (germline): Benign. Review status: criteria provided, single submitter (1 of 4 stars). 2 submissions from 2 submitters: Benign (1). 1 of the submissions does not count toward it. Last evaluated 2026-01-27.

Conditions:
DZIP1L-related disorder. Also called: DZIP1L-related condition.

Allele frequency attached by ClinVar (database versions not stated): gnomAD exomes 0.00009; ExAC 0.00034; ESP Exome Variant Server 0.00077; 1000 Genomes Project 0.00100; gnomAD 0.00107; 1000 Genomes Project 30x 0.00109; TOPMed 0.00125.
gnomAD v4.1: 291 of 1,553,642 alleles (0.019%); highest among the groups gnomAD compares: African/African-American, 0.36%; 1 homozygote.

Submissions (2):

Labcorp Genetics (formerly Invitae), Labcorp
Classification: Benign. Last evaluated: 2026-01-27. Review status: criteria provided, single submitter. Criteria: Invitae Variant Classification Sherloc (09022015). Collection method: clinical testing. Allele origin: germline.

PreventionGenetics, part of Exact Sciences
Classification: Likely benign for DZIP1L-related condition. Last evaluated: 2020-08-25. Review status: no assertion criteria provided. Collection method: clinical testing. Allele origin: germline. Not counted in ClinVar's aggregate classification.
Comment: This variant is classified as likely benign based on ACMG/AMP sequence variant interpretation guidelines (Richards et al. 2015 PMID: 25741868, with internal and published modifications).